The following is an entry in ClinVar:

ClinVar aggregate classification (germline): Uncertain significance (1 of 4 stars; one submission).

Conditions:
Tuberous sclerosis 2 (TSC2). Identifiers: Orphanet 805, MedGen C1860707, MONDO:0013199, OMIM 613254.

Submission:

Labcorp Genetics (formerly Invitae), Labcorp
Classification: Uncertain significance for Tuberous sclerosis 2. Last evaluated: 2022-10-31. Review status: criteria provided, single submitter. Criteria: Invitae Variant Classification Sherloc (09022015). Collection method: clinical testing. Allele origin: germline.
Comment: This sequence change replaces valine, which is neutral and non-polar, with alanine, which is neutral and non-polar, at codon 1034 of the TSC2 protein (p.Val1034Ala). This variant is not present in population databases (gnomAD no frequency). This variant has not been reported in the literature in individuals affected with TSC2-related conditions. Advanced modeling of protein sequence and biophysical properties (such as structural, functional, and spatial information, amino acid conservation, physicochemical variation, residue mobility, and thermodynamic stability) performed at Invitae indicates that this missense variant is not expected to disrupt TSC2 protein function. In summary, the available evidence is currently insufficient to determine the role of this variant in disease. Therefore, it has been classified as a Variant of Uncertain Significance.

NM_000548.5(TSC2):c.3101T>C (p.Val1034Ala)

Gene: TSC2 (TSC complex subunit 2; plus strand). Cytogenetic location: 16p13.3.
Variant type: single nucleotide variant.
Coding change: c.3101T>C on transcript NM_000548.5 (MANE Select); coding-DNA position 3101, T replaced by C.
Protein change: p.Val1034Ala; replaces valine 1034 with alanine.
Molecular consequence: missense variant. On other transcripts: non-coding transcript variant (5).
Genome position (GRCh38, 1-based): chr16:2,079,166, T>C. VCF-style: chr16-2079166-T-C. GRCh37 (hg19) VCF-style: chr16-2129167-T-C.
Other names: c.2501T>C, p.Val834Ala (NM_001406683.1, NM_001406680.1, NM_001406682.1); c.2498T>C, p.Val833Ala (NM_001406684.1); c.2372T>C, p.Val791Ala (NM_001406685.1, NM_001406686.1); c.2369T>C, p.Val790Ala (NM_001406687.1, NM_001406688.1, NM_001318831.2); c.1757T>C, p.Val586Ala (NM_001406689.1); c.1628T>C, p.Val543Ala (NM_001406690.1, NM_001406692.1, NM_001406693.1 and 1 more transcripts); c.1625T>C, p.Val542Ala (NM_001406691.1, NM_001406695.1, NM_001406696.1 and 1 more transcripts); c.2969T>C, p.Val990Ala (NM_001077183.3, NM_001370404.1, NM_001406665.1); and 18 more; short protein forms V1034A, V790A, V791A, V971A, V985A, V456A, V542A, V586A.
Identifiers: ClinVar variation 2810881 (VCV002810881.3), dbSNP rs2151434288, ClinGen allele CA394284768.